The following is an entry in ClinVar:

NM_001271938.2(MEGF8):c.7260C>G (p.Tyr2420Ter)

Gene: MEGF8 (multiple EGF like domains 8; plus strand). Cytogenetic location: 19q13.2.
Variant type: single nucleotide variant.
Coding change: c.7260C>G on transcript NM_001271938.2 (MANE Select); coding-DNA position 7260, C replaced by G.
Protein change: p.Tyr2420Ter; replaces tyrosine 2420 with a stop codon.
Molecular consequence: nonsense.
Genome position (GRCh38, 1-based): chr19:42,371,473, C>G. VCF-style: chr19-42371473-C-G. GRCh37 (hg19) VCF-style: chr19-42875625-C-G.
Other names: c.7059C>G, p.Tyr2353Ter (NM_001410.3); short protein forms Y2420*, Y2353*.
Identifiers: ClinVar variation 2736541 (VCV002736541.3), dbSNP rs1218937263, ClinGen allele CA406137700.
Genomic context (GRCh38, chr19:42,371,473, plus strand): 5'-GAATAACACAGAGACGGGCACATGCCAGGGCAGCTCCCCCAGTGACCGTCGAGACTGCTA[C>G]AAGTACCAGGTGCGGCTGCAGAAGCTAGTGGTGGGCCGAGGGCCCTACACCTTGTGGAGG-3'

ClinVar aggregate classification (germline): Uncertain significance (1 of 4 stars; one submission).

Conditions:
MEGF8-related Carpenter syndrome. Also called: Carpenter syndrome 2. Identifiers: Orphanet 65759, MedGen C3554247, MONDO:0013998, OMIM 614976.

Allele frequency attached by ClinVar (database versions not stated): TOPMed below 0.00001; gnomAD 0.00001.

Submission:

Labcorp Genetics (formerly Invitae), Labcorp
Classification: Uncertain significance for MEGF8-related Carpenter syndrome. Last evaluated: 2023-07-07. Review status: criteria provided, single submitter. Criteria: Invitae Variant Classification Sherloc (09022015). Collection method: clinical testing. Allele origin: germline.
Comment: This variant is not present in population databases (gnomAD no frequency). This sequence change creates a premature translational stop signal (p.Tyr2353*) in the MEGF8 gene. While this is not anticipated to result in nonsense mediated decay, it is expected to disrupt the last 426 amino acid(s) of the MEGF8 protein. This variant has not been reported in the literature in individuals affected with MEGF8-related conditions. Experimental studies and prediction algorithms are not available or were not evaluated, and the functional significance of this variant is currently unknown. This variant disrupts a region of the MEGF8 protein in which other variant(s) (p.Ser2367Gly) have been observed in individuals with MEGF8-related conditions (PMID: 23063620). This suggests that this is a clinically significant region of the protein, and that variants that disrupt it are likely to be disease-causing. In summary, the available evidence is currently insufficient to determine the role of this variant in disease. Therefore, it has been classified as a Variant of Uncertain Significance.

Literature cited by the submitters: PubMed 23063620.